The following is an entry in ClinVar:

NM_021830.5(TWNK):c.1115A>C (p.Gln372Pro)

Gene: TWNK (twinkle mtDNA helicase; plus strand). Cytogenetic location: 10q24.31.
Variant type: single nucleotide variant.
Coding change: c.1115A>C on transcript NM_021830.5 (MANE Select); coding-DNA position 1115, A replaced by C.
Protein change: p.Gln372Pro; replaces glutamine 372 with proline.
Molecular consequence: missense variant. On other transcripts: non-coding transcript variant (4), intron variant (3).
Genome position (GRCh38, 1-based): chr10:100,989,325, A>C. VCF-style: chr10-100989325-A-C. GRCh37 (hg19) VCF-style: chr10-102749082-A-C.
Other names: c.1115A>C, p.Gln372Pro (NM_001163812.2); c.-119-319A>C (NM_001163814.2, NM_001163813.2); c.-57-381A>C (NM_001368275.1); short protein forms Q372P.
Identifiers: ClinVar variation 1329849 (VCV001329849.2), dbSNP rs984995611, ClinGen allele CA378209869.

ClinVar aggregate classification (germline): Uncertain significance (1 of 4 stars; one submission).

Submission:

GeneDx
Classification: Uncertain significance. Last evaluated: 2021-06-22. Review status: criteria provided, single submitter. Criteria: GeneDx Variant Classification Process June 2021. Collection method: clinical testing. Allele origin: germline. Affected: yes.
Comment: Not observed at significant frequency in large population cohorts (Lek et al., 2016); In silico analysis supports that this missense variant has a deleterious effect on protein structure/function; Has not been previously published as pathogenic or benign to our knowledge; This variant is associated with the following publications: (PMID: 27535533)